The following is an entry in ClinVar:

ClinVar aggregate classification (germline): Benign/Likely benign. Review status: criteria provided, multiple submitters, no conflicts (2 of 4 stars). 3 submissions from 3 submitters: Benign (1); Likely benign (2). Last evaluated 2026-01-11.

Conditions:
Supravalvar aortic stenosis (SVAS). Also called: Supravalvar aortic stenosis, Eisenberg type. Identifiers: Orphanet 3193, MedGen C0003499, MONDO:0008504, OMIM 185500, HP:0004381.

Submissions (3):

Labcorp Genetics (formerly Invitae), Labcorp
Classification: Benign for Supravalvar aortic stenosis. Last evaluated: 2026-01-11. Review status: criteria provided, single submitter. Criteria: Invitae Variant Classification Sherloc (09022015). Collection method: clinical testing. Allele origin: germline.

GeneDx
Classification: Likely benign. Last evaluated: 2025-02-20. Review status: criteria provided, single submitter. Criteria: GeneDx Variant Classification Process June 2021. Collection method: clinical testing. Allele origin: germline. Affected: yes.
Comment: See Variant Classification Assertion Criteria.

Blueprint Genetics
Classification: Likely benign. Last evaluated: 2024-07-10. Review status: criteria provided, single submitter. Criteria: ACMG Guidelines, 2015. Collection method: clinical testing. Allele origin: germline.

NM_000501.4(ELN):c.1464_1517del (p.Leu497_Gly514del)

Genes: ELN (elastin; plus strand), ELN-AS1 (ELN antisense RNA 1; minus strand). Cytogenetic location: 7q11.23.
Variant type: Deletion.
Coding change: c.1464_1517del on transcript NM_000501.4 (MANE Select); coding-DNA positions 1464 to 1517, 54 bases deleted.
Protein change: p.Leu497_Gly514del.
Molecular consequence: inframe deletion.
Genome position (GRCh38, 1-based): chr7:74,059,935-74,059,988, 54 bases deleted. GRCh37 (hg19): chr7:73,474,265-73,474,318.
Other names: c.1377_1430del, p.Leu468_Gly485del (NM_001081752.3); c.1422_1475del, p.Leu483_Gly500del (NM_001081753.3); c.1479_1532del, p.Leu502_Gly519del (NM_001081754.3); c.1407_1460del, p.Leu478_Gly495del (NM_001081755.3); c.1464_1517del, p.Leu497_Gly514del (NM_001278912.2); c.1221_1274del, p.Leu416_Gly433del (NM_001278913.2); c.1392_1445del, p.Leu473_Gly490del (NM_001278914.2); c.1482_1535del, p.Leu503_Gly520del (NM_001278915.2); and 4 more.
Identifiers: ClinVar variation 1217528 (VCV001217528.13), dbSNP rs1563852165, ClinGen allele CA4293063.